The following is an entry in ClinVar:

NM_206933.4(USH2A):c.15338_15339del (p.Val5113fs)

Gene: USH2A (usherin; minus strand). Cytogenetic location: 1q41.
Variant type: Microsatellite.
Coding change: c.15338_15339del on transcript NM_206933.4 (MANE Select); coding-DNA positions 15338 to 15339, 2 bases deleted (TG; older notation c.15338_15339delTG).
Protein change: p.Val5113fs; shifts the reading frame from valine 5113.
Molecular consequence: frameshift variant.
Genome position (GRCh38, 1-based): chr1:215,628,994-215,628,995, CA deleted on the plus strand (TG on the coding strand, the reverse complement: USH2A is on the minus strand); deleting any 2 consecutive bases within chr1:215,628,994-215,628,997 gives the same sequence; the c. name uses the placement nearest the transcript's 3' end. VCF-style (leftmost placement, unchanged base first): chr1-215628993-TCA-T. GRCh37 (hg19) VCF-style: chr1-215802335-TCA-T.
Other names: short protein forms V5113fs.
Identifiers: ClinVar variation 1985719 (VCV001985719.5), dbSNP rs1404641251, ClinGen allele CA529001966.
Genomic context (GRCh38, chr1:215,628,993, plus strand): 5'-GGCTGGTTTGGTTTTGACTCGGGATGCGCAGGACACATGCACTCCGGTTGCTGCGGATAC[TCA>T]CAGGTGTCCCAGACCGGGGAATTTTGGTATCGGCTAACCCCTGAGAAGGAAGTTGCTGTG-3'

ClinVar aggregate classification (germline): Pathogenic/Likely pathogenic. Review status: criteria provided, multiple submitters, no conflicts (2 of 4 stars). 2 submissions from 2 submitters: Pathogenic (1); Likely pathogenic (1). Last evaluated 2023-01-25.

Conditions:
Retinitis pigmentosa 39 (RP39). Identifiers: Orphanet 791, MedGen C3151138, MONDO:0013436, OMIM 613809.

Submissions (2):

Baylor Genetics
Classification: Likely pathogenic for Retinitis pigmentosa 39. Last evaluated: 2023-01-25. Review status: criteria provided, single submitter. Criteria: ACMG Guidelines, 2015. Collection method: clinical testing. Allele origin: unknown.

Labcorp Genetics (formerly Invitae), Labcorp
Classification: Pathogenic. Last evaluated: 2022-10-28. Review status: criteria provided, single submitter. Criteria: Invitae Variant Classification Sherloc (09022015). Collection method: clinical testing. Allele origin: germline.
Comment: This sequence change creates a premature translational stop signal (p.Val5113Glufs*64) in the USH2A gene. While this is not anticipated to result in nonsense mediated decay, it is expected to disrupt the last 90 amino acid(s) of the USH2A protein. This variant is present in population databases (no rsID available, gnomAD 0.006%). This variant has not been reported in the literature in individuals affected with USH2A-related conditions. This variant disrupts a region of the USH2A protein in which other variant(s) (p.Ile5166Val) have been determined to be pathogenic (PMID: 26969326, 27460420, 32531858). This suggests that this is a clinically significant region of the protein, and that variants that disrupt it are likely to be disease-causing. For these reasons, this variant has been classified as Pathogenic.

Literature cited by the submitters: PubMed 26969326 (cited by Labcorp Genetics (formerly Invitae), Labcorp); PubMed 27460420 (cited by Labcorp Genetics (formerly Invitae), Labcorp); PubMed 32531858 (cited by Labcorp Genetics (formerly Invitae), Labcorp).